The following is an entry in ClinVar:

ClinVar aggregate classification (germline): Uncertain significance. Review status: criteria provided, multiple submitters, no conflicts (2 of 4 stars). 2 submissions from 2 submitters: Uncertain significance (2). Last evaluated 2024-12-06.

Conditions:
Inborn genetic diseases. Identifiers: MedGen C0950123, MeSH D030342.

Allele frequency attached by ClinVar (database versions not stated): TOPMed below 0.00001; gnomAD 0.00001; gnomAD exomes 0.00001; ExAC 0.00002; ESP Exome Variant Server 0.00008; 1000 Genomes Project 30x 0.00016; 1000 Genomes Project 0.00020.
gnomAD v4.1: 22 of 1,614,154 alleles (0.0014%); highest among the groups gnomAD compares: African/African-American, 0.0027%; no homozygotes.

Submissions (2):

Ambry Genetics
Classification: Uncertain significance for Inborn genetic diseases. Last evaluated: 2024-12-06. Review status: criteria provided, single submitter. Criteria: Ambry Variant Classification Scheme 2023. Collection method: clinical testing. Allele origin: germline.

Labcorp Genetics (formerly Invitae), Labcorp
Classification: Uncertain significance. Last evaluated: 2022-08-14. Review status: criteria provided, single submitter. Criteria: Invitae Variant Classification Sherloc (09022015). Collection method: clinical testing. Allele origin: germline.
Comment: This sequence change replaces aspartic acid, which is acidic and polar, with glutamic acid, which is acidic and polar, at codon 38 of the ERCC6 protein (p.Asp38Glu). This variant is present in population databases (rs147838944, gnomAD 0.007%). This variant has not been reported in the literature in individuals affected with ERCC6-related conditions. Algorithms developed to predict the effect of missense changes on protein structure and function output the following: SIFT: "Tolerated"; PolyPhen-2: "Benign"; Align-GVGD: "Class C0". The glutamic acid amino acid residue is found in multiple mammalian species, which suggests that this missense change does not adversely affect protein function. In summary, the available evidence is currently insufficient to determine the role of this variant in disease. Therefore, it has been classified as a Variant of Uncertain Significance.

NM_000124.4(ERCC6):c.114T>G (p.Asp38Glu)

Gene: ERCC6 (ERCC excision repair 6, chromatin remodeling factor; minus strand). Cytogenetic location: 10q11.23.
Variant type: single nucleotide variant.
Coding change: c.114T>G on transcript NM_000124.4 (MANE Select); coding-DNA position 114, T replaced by G.
Protein change: p.Asp38Glu; replaces aspartic acid 38 with glutamic acid.
Molecular consequence: missense variant.
Genome position (GRCh38, 1-based): chr10:49,532,851, A>C on the plus strand (T>G on the coding strand, the complement: ERCC6 is on the minus strand). VCF-style: chr10-49532851-A-C. GRCh37 (hg19) VCF-style: chr10-50740897-A-C.
Other names: c.114T>G, p.Asp38Glu (NM_001277058.2, NM_001277059.2, NM_001346440.2); short protein forms D38E.
Identifiers: ClinVar variation 2142559 (VCV002142559.3), dbSNP rs147838944, ClinGen allele CA5496620.
Genomic context (GRCh38, chr10:49,532,851, plus strand): 5'-AGCAGAGGTGGACAGCCCGTCACCCACAGAACGAAAGGAGAGGTACTCCTCCACCTCCCC[A>C]TCACCACCACTTTCTTGCTTGATTGCCATTTCTTCATTATTACTGACAGGTTGACTCTGT-3'
Protein context (NP_000115.1, residues 28-48): EMAIKQESGG[Asp38Glu]GEVEEYLSFR